The following is an entry in ClinVar:

ClinVar aggregate classification (germline): Pathogenic. Review status: criteria provided, multiple submitters, no conflicts (2 of 4 stars). 5 submissions from 5 submitters: Pathogenic (4). 1 of the submissions does not count toward it. Last evaluated 2025-09-16.

Conditions:
Anophthalmia/microphthalmia-esophageal atresia syndrome (MCOPS3). Also called: SOX2 Disorder; AEG SYNDROME; MICROPHTHALMIA AND ESOPHAGEAL ATRESIA SYNDROME. Identifiers: Orphanet 77298, MedGen C1859773, MONDO:0008799, OMIM 206900.

Submissions (5):

3billion
Classification: Pathogenic for Anophthalmia/microphthalmia-esophageal atresia syndrome. Last evaluated: 2025-09-16. Review status: criteria provided, single submitter. Criteria: ACMG Guidelines, 2015. Collection method: clinical testing. Allele origin: germline. Affected: yes.
Comment: The variant is not observed in the gnomAD v4.1.0 dataset. Predicted Consequence/Location: Frameshift: predicted to result in a loss or disruption of normal protein function through protein truncation. Multiple pathogenic variants are reported in the predicted truncated region. The variant has been reported at least twice as pathogenic with clinical assertions and evidence for the classification (ClinVar ID: VCV000279895 /PMID: 16932809 /3billion dataset). Therefore, this variant is classified as Pathogenic according to the recommendation of ACMG/AMP guideline.

GeneDx
Classification: Pathogenic. Last evaluated: 2025-03-20. Review status: criteria provided, single submitter. Criteria: GeneDx Variant Classification Process June 2021. Collection method: clinical testing. Allele origin: germline. Affected: yes.
Comment: Published functional studies demonstrate this variant impairs nuclear localization, DNA binding, and transcriptional activation (PMID: 16932809); Frameshift variant predicted to result in abnormal protein length as the last 297 amino acids are replaced with 74 different amino acids, and other similar variants have been reported in HGMD.; This variant is associated with the following publications: (PMID: 22945632, 35872528, 16932809)

Institute of Human Genetics Munich, TUM University Hospital
Classification: Pathogenic for Anophthalmia/microphthalmia-esophageal atresia syndrome. Last evaluated: 2021-09-03. Review status: criteria provided, single submitter. Criteria: Classification criteria August 2017. Collection method: clinical testing. Allele origin: germline. Inheritance: Autosomal dominant inheritance. Affected: yes. Observed: 1 variant allele.

Eurofins Ntd Llc (ga)
Classification: Pathogenic. Last evaluated: 2018-03-29. Review status: criteria provided, single submitter. Criteria: EGL ClinVar v180209 classification definitions. Collection method: clinical testing. Allele origin: germline. Observed: 1 variant allele, 1 heterozygote.

OMIM
Classification: Pathogenic for MICROPHTHALMIA, SYNDROMIC 3. Last evaluated: 2006-09-01. Review status: no assertion criteria provided. Collection method: literature only. Allele origin: germline. Not counted in ClinVar's aggregate classification.

Literature cited by the submitters: PubMed 16932809 (cited by 3billion and OMIM); PubMed 15389708 (cited by OMIM).

NM_003106.4(SOX2):c.59dup (p.Gly21fs)

Genes: SOX2 (SRY-box transcription factor 2; plus strand), SOX2-OT (SOX2 overlapping transcript; plus strand), LOC108281177 (SOX2 5' regulatory region; plus strand). Cytogenetic location: 3q26.33.
Variant type: Duplication.
Coding change: c.59dup on transcript NM_003106.4 (MANE Select); coding-DNA position 59, one base duplicated (G; older notation c.59dupG).
Protein change: p.Gly21fs; shifts the reading frame from glycine 21.
Molecular consequence: frameshift variant.
Genome position (GRCh38, 1-based): chr3:181,712,419, G duplicated; the last of 6 consecutive G bases (chr3:181,712,414-181,712,419); duplicating any one gives the same sequence. VCF-style (leftmost placement, unchanged base first): chr3-181712413-C-CG. GRCh37 (hg19) VCF-style: chr3-181430201-C-CG.
Other names: c.59dupG (NM_003106.3); c.59dup (NM_003106.3); short protein forms G21fs.
Identifiers: ClinVar variation 279895 (VCV000279895.10), dbSNP rs398122803, ClinGen allele CA2717230.